The following is an entry in ClinVar:

ClinVar aggregate classification (germline): Conflicting classifications of pathogenicity. Review status: criteria provided, conflicting classifications (1 of 4 stars). 4 submissions from 4 submitters: Uncertain significance (1); Likely benign (2). 1 of the submissions does not count toward it. Last evaluated 2026-06-01.

Conditions:
CREBBP-related disorder. Also called: CREBBP-related condition; CREBBP-related disorders.
Inborn genetic diseases. Identifiers: MedGen C0950123, MeSH D030342.
Rubinstein-Taybi syndrome (RSTS). Identifiers: Orphanet 783, MedGen C0035934, MONDO:0019188.

Allele frequency attached by ClinVar (database versions not stated): TOPMed below 0.00001; ExAC 0.00001; gnomAD 0.00001.
gnomAD v4.1: 23 of 1,614,052 alleles (0.0014%); highest among the groups gnomAD compares: Non-Finnish European, 0.0018%; no homozygotes.

Submissions (4):

CeGaT Center for Human Genetics Tuebingen
Classification: Uncertain significance. Last evaluated: 2026-06-01. Review status: criteria provided, single submitter. Criteria: CeGaT Center For Human Genetics Tuebingen Variant Classification Criteria Version 2. Collection method: clinical testing. Allele origin: germline. Affected: yes. Observed: 1 variant allele.
Comment: CREBBP: PP2

Labcorp Genetics (formerly Invitae), Labcorp
Classification: Likely benign for Rubinstein-Taybi syndrome. Last evaluated: 2023-11-27. Review status: criteria provided, single submitter. Criteria: Invitae Variant Classification Sherloc (09022015). Collection method: clinical testing. Allele origin: germline.

Ambry Genetics
Classification: Likely benign for Inborn genetic diseases. Last evaluated: 2021-11-22. Review status: criteria provided, single submitter. Criteria: Ambry Variant Classification Scheme 2023. Collection method: clinical testing. Allele origin: germline.

PreventionGenetics, part of Exact Sciences
Classification: Uncertain significance for CREBBP-related condition. Last evaluated: 2024-08-20. Review status: no assertion criteria provided. Collection method: clinical testing. Allele origin: germline. Not counted in ClinVar's aggregate classification.
Comment: The CREBBP c.1493C>T variant is predicted to result in the amino acid substitution p.Thr498Met. To our knowledge, this variant has not been reported in the literature. This variant is reported in 0.0046% of alleles in individuals of European (Non-Finnish) descent in gnomAD. This variant is interpreted as likely benign in ClinVar. This variant could be benign. However, at this time, the clinical significance of this variant is uncertain due to the absence of conclusive functional and genetic evidence.

NM_004380.3(CREBBP):c.1493C>T (p.Thr498Met)

Gene: CREBBP (CREB binding lysine acetyltransferase; minus strand). Cytogenetic location: 16p13.3.
Variant type: single nucleotide variant.
Coding change: c.1493C>T on transcript NM_004380.3 (MANE Select); coding-DNA position 1493, C replaced by T.
Protein change: p.Thr498Met; replaces threonine 498 with methionine.
Molecular consequence: missense variant.
Genome position (GRCh38, 1-based): chr16:3,782,764, G>A on the plus strand (C>T on the coding strand, the complement: CREBBP is on the minus strand). VCF-style: chr16-3782764-G-A. GRCh37 (hg19) VCF-style: chr16-3832765-G-A.
Other names: c.1379C>T, p.Thr460Met (NM_001079846.1); c.1493C>T (NM_004380.2); short protein forms T460M, T498M.
Identifiers: ClinVar variation 2141359 (VCV002141359.8), dbSNP rs777960062, ClinGen allele CA7870447.